The following is an entry in ClinVar:

NM_000388.4(CASR):c.2423C>G (p.Thr808Ser)

Gene: CASR (calcium sensing receptor; plus strand). Cytogenetic location: 3q21.1.
Variant type: single nucleotide variant.
Coding change: c.2423C>G on transcript NM_000388.4 (MANE Select); coding-DNA position 2423, C replaced by G.
Protein change: p.Thr808Ser; replaces threonine 808 with serine.
Molecular consequence: missense variant.
Genome position (GRCh38, 1-based): chr3:122,284,377, C>G. VCF-style: chr3-122284377-C-G. GRCh37 (hg19) VCF-style: chr3-122003224-C-G.
Other names: c.2453C>G, p.Thr818Ser (NM_001178065.2); short protein forms T818S, T808S.
Identifiers: ClinVar variation 1791045 (VCV001791045.2), dbSNP rs2074938308, ClinGen allele CA354159768.

ClinVar aggregate classification (germline): Uncertain significance (1 of 4 stars; one submission).

Conditions:
Nephrolithiasis/nephrocalcinosis. Identifiers: MedGen CN580796.

Submission:

Ambry Genetics
Classification: Uncertain significance for Nephrolithiasis/nephrocalcinosis. Last evaluated: 2022-09-12. Review status: criteria provided, single submitter. Criteria: Ambry Variant Classification Scheme 2023. Collection method: clinical testing. Allele origin: germline.
Comment: The p.T808S variant (also known as c.2423C>G), located in coding exon 6 of the CASR gene, results from a C to G substitution at nucleotide position 2423. The threonine at codon 808 is replaced by serine, an amino acid with similar properties. This amino acid position is conserved. In addition, this alteration is predicted to be deleterious by in silico analysis. Since supporting evidence is limited at this time, the clinical significance of this alteration remains unclear.